The following is an entry in ClinVar:

ClinVar aggregate classification (germline): Likely benign. Review status: criteria provided, multiple submitters, no conflicts (2 of 4 stars). 2 submissions from 2 submitters: Likely benign (2). Last evaluated 2025-11-11.

Allele frequency attached by ClinVar (database versions not stated): ESP Exome Variant Server 0.00008; 1000 Genomes Project 0.00020; 1000 Genomes Project 30x 0.00031.

Submissions (2):

Labcorp Genetics (formerly Invitae), Labcorp
Classification: Likely benign. Last evaluated: 2025-11-11. Review status: criteria provided, single submitter. Criteria: Invitae Variant Classification Sherloc (09022015). Collection method: clinical testing. Allele origin: germline.

Mayo Clinic Laboratories, Mayo Clinic
Classification: Likely benign. Last evaluated: 2025-02-06. Review status: criteria provided, single submitter. Criteria: ACMG Guidelines, 2015. Collection method: clinical testing. Allele origin: germline. Observed: 2 variant alleles.
Comment: BP4, BP7

NM_001261826.3(AP3D1):c.3087C>T (p.Ser1029=)

Gene: AP3D1 (adaptor related protein complex 3 subunit delta 1; minus strand). Cytogenetic location: 19p13.3.
Variant type: single nucleotide variant.
Coding change: c.3087C>T on transcript NM_001261826.3 (MANE Select); coding-DNA position 3087, C replaced by T.
Protein change: p.Ser1029=; no amino-acid change (serine 1029 retained).
Molecular consequence: synonymous variant.
Genome position (GRCh38, 1-based): chr19:2,110,795, G>A on the plus strand (C>T on the coding strand, the complement: AP3D1 is on the minus strand). VCF-style: chr19-2110795-G-A. GRCh37 (hg19) VCF-style: chr19-2110794-G-A.
Other names: p.Ser1029=; c.3051C>T, p.Ser1017= (NM_001374799.1); c.2901C>T, p.Ser967= (NM_003938.8).
Identifiers: ClinVar variation 1577280 (VCV001577280.9), dbSNP rs200189042, ClinGen allele CA9058573.
Genomic context (GRCh38, chr19:2,110,795, plus strand): 5'-GCCATCGTGGACGGAGGAGCCCTGCGGCCGGGCCATCCTGGCATTGAGTGAGTCCAGCAC[G>A]CTGAGCTCCATGCCCTTGAGGATGCTGCTGCTCCTGTTCTCCAGCACGATGGCCACAGTG-3'
Protein context (NP_001248755.1, residues 1019-1039): SSSILKGMEL[Ser1029=]VLDSLNARMA